The following is an entry in ClinVar:

ClinVar aggregate classification (germline): Benign/Likely benign. Review status: criteria provided, multiple submitters, no conflicts (2 of 4 stars). 4 submissions from 4 submitters: Benign (2); Likely benign (2). Last evaluated 2026-01-27.

Conditions:
ELAC2-related disorder. Also called: ELAC2-related condition.
Combined oxidative phosphorylation defect type 17. Also called: Combined oxidative phosphorylation deficiency 17. Identifiers: Orphanet 369913, MedGen C3809526, MONDO:0014190, OMIM 615440.

Allele frequency attached by ClinVar (database versions not stated): gnomAD 0.00026 and 0.00036; TOPMed 0.00034; ExAC 0.00067; gnomAD exomes 0.00078; 1000 Genomes Project 30x 0.00172; 1000 Genomes Project 0.00220.
gnomAD v4.1: 290 of 1,614,022 alleles (0.018%); highest among the groups gnomAD compares: East Asian, 0.61%; 4 homozygotes.

Submissions (4):

Labcorp Genetics (formerly Invitae), Labcorp
Classification: Likely benign for Combined oxidative phosphorylation defect type 17. Last evaluated: 2026-01-27. Review status: criteria provided, single submitter. Criteria: Invitae Variant Classification Sherloc (09022015). Collection method: clinical testing. Allele origin: germline.

PreventionGenetics, part of Exact Sciences
Classification: Benign for ELAC2-related condition. Last evaluated: 2024-11-13. Review status: criteria provided, single submitter. Criteria: ACMG Guidelines, 2015. Collection method: clinical testing. Allele origin: germline.
Comment: This variant is classified as benign based on ACMG/AMP sequence variant interpretation guidelines (Richards et al. 2015 PMID: 25741868, with internal and published modifications).

Blueprint Genetics
Classification: Likely benign. Last evaluated: 2024-10-04. Review status: criteria provided, single submitter. Criteria: ACMG Guidelines, 2015. Collection method: clinical testing. Allele origin: germline.

GeneDx
Classification: Benign. Last evaluated: 2018-09-17. Review status: criteria provided, single submitter. Criteria: GeneDx Variant Classification Process June 2021. Collection method: clinical testing. Allele origin: germline. Affected: yes.

NM_018127.7(ELAC2):c.1390A>T (p.Arg464Trp)

Gene: ELAC2 (elaC ribonuclease Z 2; minus strand). Cytogenetic location: 17p12.
Variant type: single nucleotide variant.
Coding change: c.1390A>T on transcript NM_018127.7 (MANE Select); coding-DNA position 1390, A replaced by T.
Protein change: p.Arg464Trp; replaces arginine 464 with tryptophan.
Molecular consequence: missense variant.
Genome position (GRCh38, 1-based): chr17:13,000,189, T>A on the plus strand (A>T on the coding strand, the complement: ELAC2 is on the minus strand). VCF-style: chr17-13000189-T-A. GRCh37 (hg19) VCF-style: chr17-12903506-T-A.
Other names: c.1270A>T, p.Arg424Trp (NM_001165962.2); c.1387A>T, p.Arg463Trp (NM_173717.2); short protein forms R464W, R424W, R463W.
Identifiers: ClinVar variation 474559 (VCV000474559.15), dbSNP rs200149324, ClinGen allele CA8401228.